The following is an entry in ClinVar:

NM_033026.6(PCLO):c.2890A>G (p.Met964Val)

Gene: PCLO (piccolo presynaptic cytomatrix protein; minus strand). Cytogenetic location: 7q21.11.
Variant type: single nucleotide variant.
Coding change: c.2890A>G on transcript NM_033026.6 (MANE Select); coding-DNA position 2890, A replaced by G.
Protein change: p.Met964Val; replaces methionine 964 with valine.
Molecular consequence: missense variant.
Genome position (GRCh38, 1-based): chr7:83,134,660, T>C on the plus strand (A>G on the coding strand, the complement: PCLO is on the minus strand). VCF-style: chr7-83134660-T-C. GRCh37 (hg19) VCF-style: chr7-82763976-T-C.
Other names: c.2890A>G, p.Met964Val (NM_014510.3); short protein forms M964V.
Identifiers: ClinVar variation 1427560 (VCV001427560.6), dbSNP rs371277827, ClinGen allele CA4321177.

ClinVar aggregate classification (germline): Uncertain significance (1 of 4 stars; one submission).

Allele frequency attached by ClinVar (database versions not stated): gnomAD 0.00001 and 0.00003; TOPMed 0.00003; gnomAD exomes 0.00004 and 0.00006; ExAC 0.00006; ESP Exome Variant Server 0.00008; 1000 Genomes Project 0.00020; 1000 Genomes Project 30x 0.00031.
gnomAD v4.1: 69 of 1,613,758 alleles (0.0043%); highest among the groups gnomAD compares: South Asian, 0.016%; no homozygotes.

Submission:

Labcorp Genetics (formerly Invitae), Labcorp
Classification: Uncertain significance. Last evaluated: 2023-12-06. Review status: criteria provided, single submitter. Criteria: Invitae Variant Classification Sherloc (09022015). Collection method: clinical testing. Allele origin: germline.
Comment: This sequence change replaces methionine, which is neutral and non-polar, with valine, which is neutral and non-polar, at codon 964 of the PCLO protein (p.Met964Val). This variant is present in population databases (rs371277827, gnomAD 0.02%). This variant has not been reported in the literature in individuals affected with PCLO-related conditions. ClinVar contains an entry for this variant (Variation ID: 1427560). Experimental studies and prediction algorithms are not available or were not evaluated, and the functional significance of this variant is currently unknown. In summary, the available evidence is currently insufficient to determine the role of this variant in disease. Therefore, it has been classified as a Variant of Uncertain Significance.